The following is an entry in ClinVar:

ClinVar aggregate classification (germline): Likely benign (1 of 4 stars; one submission).

Submission:

CeGaT Center for Human Genetics Tuebingen
Classification: Likely benign. Last evaluated: 2023-06-01. Review status: criteria provided, single submitter. Criteria: CeGaT Center For Human Genetics Tuebingen Variant Classification Criteria Version 2. Collection method: clinical testing. Allele origin: germline. Affected: yes. Observed: 1 variant allele.
Comment: IQSEC1: PM2:Supporting, BP4, BP7

NM_001376938.2(IQSEC1):c.57C>G (p.Thr19=)

Gene: IQSEC1 (IQ motif and Sec7 domain ArfGEF 1; minus strand). Cytogenetic location: 3p25.1.
Variant type: single nucleotide variant.
Coding change: c.57C>G on transcript NM_001376938.2; coding-DNA position 57, C replaced by G.
Protein change: p.Thr19=; no amino-acid change (threonine 19 retained).
Molecular consequence: synonymous variant.
Genome position (GRCh38, 1-based): chr3:13,282,926, G>C on the plus strand (C>G on the coding strand, the complement: IQSEC1 is on the minus strand). VCF-style: chr3-13282926-G-C. GRCh37 (hg19) VCF-style: chr3-13324426-G-C.
Identifiers: ClinVar variation 2653568 (VCV002653568.22), dbSNP rs1695823402, ClinGen allele CA2695197744.